The following is an entry in ClinVar:

NM_006421.5(ARFGEF1):c.2339C>T (p.Ala780Val)

Gene: ARFGEF1 (ARF guanine nucleotide exchange factor 1; minus strand). Cytogenetic location: 8q13.2.
Variant type: single nucleotide variant.
Coding change: c.2339C>T on transcript NM_006421.5 (MANE Select); coding-DNA position 2339, C replaced by T.
Protein change: p.Ala780Val; replaces alanine 780 with valine.
Molecular consequence: missense variant. On other transcripts: non-coding transcript variant (1).
Genome position (GRCh38, 1-based): chr8:67,258,187, G>A on the plus strand (C>T on the coding strand, the complement: ARFGEF1 is on the minus strand). VCF-style: chr8-67258187-G-A. GRCh37 (hg19) VCF-style: chr8-68170422-G-A.
Other names: c.2339C>T, p.Ala780Val (NM_001413187.1, NM_001413189.1, NM_001413190.1 and 7 more transcripts); c.1739C>T, p.Ala580Val (NM_001413188.1, NM_001413193.1, NM_001413197.1); c.914C>T, p.Ala305Val (NM_001413196.1); short protein forms A780V, A305V, A580V.
Identifiers: ClinVar variation 4840763 (VCV004840763.2).

ClinVar aggregate classification (germline): Uncertain significance. Review status: criteria provided, multiple submitters, no conflicts (2 of 4 stars). 2 submissions from 2 submitters: Uncertain significance (2). Last evaluated 2026-03-01.

Conditions:
ARFGEF1-related disorder. Also called: ARFGEF1-related condition.
Inborn genetic diseases. Identifiers: MedGen C0950123, MeSH D030342.

Submissions (2):

Ambry Genetics
Classification: Uncertain significance for Inborn genetic diseases. Last evaluated: 2026-03-01. Review status: criteria provided, single submitter. Criteria: Ambry Variant Classification Scheme 2023. Collection method: clinical testing. Allele origin: germline.

PreventionGenetics, part of Exact Sciences
Classification: Uncertain significance for ARFGEF1-related condition. Last evaluated: 2025-11-18. Review status: criteria provided, single submitter. Criteria: ACMG Guidelines, 2015. Collection method: clinical testing. Allele origin: germline.
Comment: The ARFGEF1 c.2339C>T variant is predicted to result in the amino acid substitution p.Ala780Val. To our knowledge, this variant has not been reported in the literature or in a large population database (gnomAD), indicating this variant is rare. At this time, the clinical significance of this variant is uncertain due to the absence of conclusive functional and genetic evidence.